The following is an entry in ClinVar:

NM_021008.4(DEAF1):c.870+3A>T

Gene: DEAF1 (DEAF1 transcription factor; minus strand). Cytogenetic location: 11p15.5.
Variant type: single nucleotide variant.
Coding change: c.870+3A>T on transcript NM_021008.4 (MANE Select); 3 bases into the intron after coding-DNA position 870, A replaced by T.
Molecular consequence: intron variant.
Genome position (GRCh38, 1-based): chr11:684,895, T>A on the plus strand (A>T on the coding strand, the complement: DEAF1 is on the minus strand). VCF-style: chr11-684895-T-A. GRCh37 (hg19) VCF-style: chr11-684895-T-A.
Other names: c.144+3A>T (NM_001367390.1, NM_001440885.1, NM_001440887.1 and 1 more transcripts); c.730+3A>T (NM_001293634.2); c.870+3A>T (NM_001440884.1, NM_001440883.1).
Identifiers: ClinVar variation 2752009 (VCV002752009.3), dbSNP rs2494437796, ClinGen allele CA2697559014.

ClinVar aggregate classification (germline): Uncertain significance (1 of 4 stars; one submission).

Submission:

Labcorp Genetics (formerly Invitae), Labcorp
Classification: Uncertain significance. Last evaluated: 2023-08-11. Review status: criteria provided, single submitter. Criteria: Invitae Variant Classification Sherloc (09022015). Collection method: clinical testing. Allele origin: germline.
Comment: This sequence change falls in intron 6 of the DEAF1 gene. It does not directly change the encoded amino acid sequence of the DEAF1 protein. It affects a nucleotide within the consensus splice site. This variant is not present in population databases (gnomAD no frequency). This variant has not been reported in the literature in individuals affected with DEAF1-related conditions. Variants that disrupt the consensus splice site are a relatively common cause of aberrant splicing (PMID: 17576681, 9536098). Algorithms developed to predict the effect of sequence changes on RNA splicing suggest that this variant may disrupt the consensus splice site. In summary, the available evidence is currently insufficient to determine the role of this variant in disease. Therefore, it has been classified as a Variant of Uncertain Significance.

Literature cited by the submitters: PubMed 17576681; PubMed 9536098.